The following is an entry in ClinVar:

NM_001267550.2(TTN):c.105613_105633del (p.Asn35205_Glu35211del)

Genes: TTN-AS1 (TTN antisense RNA 1; plus strand), TTN (titin; minus strand), LOC129935183 (ATAC-STARR-seq lymphoblastoid active region 16808; plus strand). Cytogenetic location: 2q31.2.
Variant type: Deletion.
Coding change: c.105613_105633del on transcript NM_001267550.2 (MANE Select); coding-DNA positions 105613 to 105633, 21 bases deleted (AACAGTGAAGGGAAACAAGAA).
Protein change: p.Asn35205_Glu35211del.
Molecular consequence: inframe deletion.
Genome position (GRCh38, 1-based): chr2:178,530,982-178,531,002, TTCTTGTTTCCCTTCACTGTT deleted on the plus strand (AACAGTGAAGGGAAACAAGAA on the coding strand, the reverse complement: TTN is on the minus strand); deleting any 21 consecutive bases within chr2:178,530,982-178,531,006 gives the same sequence; the c. name uses the placement nearest the transcript's 3' end. VCF-style (leftmost placement, unchanged base first): chr2-178530981-CTTCTTGTTTCCCTTCACTGTT-C. GRCh37 (hg19) VCF-style: chr2-179395708-CTTCTTGTTTCCCTTCACTGTT-C.
Other names: c.100690_100710del, p.Asn33564_Glu33570del (NM_001256850.1); c.78418_78438del, p.Asn26140_Glu26146del (NM_003319.4); c.97909_97929del, p.Asn32637_Glu32643del (NM_133378.4); c.78793_78813del, p.Asn26265_Glu26271del (NM_133432.3); c.78994_79014del, p.Asn26332_Glu26338del (NM_133437.4).
Identifiers: ClinVar variation 2129479 (VCV002129479.4), dbSNP rs2468391757, ClinGen allele CA2580064920.
Genomic context (GRCh38, chr2:178,530,981, plus strand): 5'-GTGGTGATGTCACAGCCTTTTCAGTTACCCTGGCCTTTTGAATAGTCAGAGTGAACTCTG[CTTCTTGTTTCCCTTCACTGTT>C]TTCTACCACCACGCTGTAATTGCCCTCATCGGAAGCCTGGACTGAAGAGATCTCAAAGGT-3'

ClinVar aggregate classification (germline): Uncertain significance (1 of 4 stars; one submission).

Conditions:
Dilated cardiomyopathy 1G (CMD1G). Identifiers: Orphanet 154, MedGen C1858763, MONDO:0011400, OMIM 604145.
Autosomal recessive limb-girdle muscular dystrophy type 2J (LGMDR10). Also called: Limb-girdle muscular dystrophy, type 2J; MUSCULAR DYSTROPHY, LIMB-GIRDLE, AUTOSOMAL RECESSIVE 10. Identifiers: Orphanet 140922, MedGen C1837342, MONDO:0012127, OMIM 608807.

Submission:

Labcorp Genetics (formerly Invitae), Labcorp
Classification: Uncertain significance for Dilated cardiomyopathy 1G; Autosomal recessive limb-girdle muscular dystrophy type 2J. Last evaluated: 2022-04-28. Review status: criteria provided, single submitter. Criteria: Invitae Variant Classification Sherloc (09022015). Collection method: clinical testing. Allele origin: germline.
Comment: Experimental studies and prediction algorithms are not available or were not evaluated, and the functional significance of this variant is currently unknown. This variant, c.105613_105633del, results in the deletion of 7 amino acid(s) of the TTN protein (p.Asn35205_Glu35211del), but otherwise preserves the integrity of the reading frame. This variant is not present in population databases (gnomAD no frequency). This variant has not been reported in the literature in individuals affected with TTN-related conditions. In summary, the available evidence is currently insufficient to determine the role of this variant in disease. Therefore, it has been classified as a Variant of Uncertain Significance. This variant is located in the M band of TTN (PMID: 25589632). Variants in this region may be relevant for neuromuscular disorders, but have not been definitively shown to cause cardiomyopathy (PMID: 23975875).

Literature cited by the submitters: PubMed 25589632; PubMed 23975875.